The following is an entry in ClinVar:

NM_001278669.2(NFATC1):c.2398G>A (p.Val800Ile)

Gene: NFATC1 (nuclear factor of activated T cells 1; plus strand). Cytogenetic location: 18q23.
Variant type: single nucleotide variant.
Coding change: c.2398G>A on transcript NM_001278669.2 (MANE Select); coding-DNA position 2398, G replaced by A.
Protein change: p.Val800Ile; replaces valine 800 with isoleucine.
Molecular consequence: missense variant. On other transcripts: intron variant (2).
Genome position (GRCh38, 1-based): chr18:79,486,553, G>A. VCF-style: chr18-79486553-G-A. GRCh37 (hg19) VCF-style: chr18-77246553-G-A.
Other names: c.2359G>A (NM_172387.1); c.982G>A, p.Val328Ile (NM_001278673.2, NM_172388.3); c.2398G>A, p.Val800Ile (NM_006162.5); c.2359G>A, p.Val787Ile (NM_172387.3, NM_172389.3); c.2092+18971G>A (NM_001278670.2); c.2053+18971G>A (NM_001278672.2); short protein forms V787I, V328I, V800I.
Identifiers: ClinVar variation 2178432 (VCV002178432.5), dbSNP rs376173313, ClinGen allele CA9009625.

ClinVar aggregate classification (germline): Conflicting classifications of pathogenicity. Review status: criteria provided, conflicting classifications (1 of 4 stars). 2 submissions from 2 submitters: Uncertain significance (1); Likely benign (1). Last evaluated 2025-12-09.

Allele frequency attached by ClinVar (database versions not stated): gnomAD exomes 0.00005; TOPMed 0.00010; ExAC 0.00014.
gnomAD v4.1: 85 of 1,594,410 alleles (0.0053%); highest among the groups gnomAD compares: Middle Eastern, 0.066%; no homozygotes.

Submissions (2):

Ambry Genetics
Classification: Likely benign. Last evaluated: 2025-12-09. Review status: criteria provided, single submitter. Criteria: Ambry Variant Classification Scheme 2023. Collection method: clinical testing. Allele origin: germline.

Labcorp Genetics (formerly Invitae), Labcorp
Classification: Uncertain significance. Last evaluated: 2024-12-31. Review status: criteria provided, single submitter. Criteria: Invitae Variant Classification Sherloc (09022015). Collection method: clinical testing. Allele origin: germline.
Comment: This sequence change replaces valine, which is neutral and non-polar, with isoleucine, which is neutral and non-polar, at codon 800 of the NFATC1 protein (p.Val800Ile). This variant is present in population databases (rs376173313, gnomAD 0.09%), and has an allele count higher than expected for a pathogenic variant. This variant has not been reported in the literature in individuals affected with NFATC1-related conditions. ClinVar contains an entry for this variant (Variation ID: 2178432). An algorithm developed to predict the effect of missense changes on protein structure and function outputs the following: PolyPhen-2: "Benign". The isoleucine amino acid residue is found in multiple mammalian species, which suggests that this missense change does not adversely affect protein function. In summary, the available evidence is currently insufficient to determine the role of this variant in disease. Therefore, it has been classified as a Variant of Uncertain Significance.